The following is an entry in ClinVar:

NM_004239.4(TRIP11):c.4069C>A (p.Gln1357Lys)

Gene: TRIP11 (thyroid hormone receptor interactor 11; minus strand). Cytogenetic location: 14q32.12.
Variant type: single nucleotide variant.
Coding change: c.4069C>A on transcript NM_004239.4 (MANE Select); coding-DNA position 4069, C replaced by A.
Protein change: p.Gln1357Lys; replaces glutamine 1357 with lysine.
Molecular consequence: missense variant.
Genome position (GRCh38, 1-based): chr14:92,003,907, G>T on the plus strand (C>A on the coding strand, the complement: TRIP11 is on the minus strand). VCF-style: chr14-92003907-G-T. GRCh37 (hg19) VCF-style: chr14-92470251-G-T.
Other names: c.4069C>A (NM_004239.3); c.4066C>A, p.Gln1356Lys (NM_001321851.1); short protein forms Q1357K, Q1356K.
Identifiers: ClinVar variation 716010 (VCV000716010.25), dbSNP rs144829001, ClinGen allele CA7313528.
Genomic context (GRCh38, chr14:92,003,907, plus strand): 5'-TCGAATCAGACAATCTGTGGTTATTTTCCTGGAGAGTTCTAATTGTTGCATCTTTTTCCT[G>T]TAGTGATTTTCTTAGCTCTTCTAACTCTTGCTGAAGCAATTCAGAAGATTCACTCAATAC-3'
Protein context (NP_004230.2, residues 1347-1367): QELEELRKSL[Gln1357Lys]EKDATIRTLQ

ClinVar aggregate classification (germline): Conflicting classifications of pathogenicity. Review status: criteria provided, conflicting classifications (1 of 4 stars). 5 submissions from 5 submitters: Uncertain significance (2); Likely benign (2). 1 of the submissions does not count toward it. Last evaluated 2025-12-01.

Conditions:
Achondrogenesis, type IA (ACG1A). Identifiers: Orphanet 932, Orphanet 93299, MedGen C0265273, MONDO:0008701, OMIM 200600.
TRIP11-related disorder. Also called: TRIP11-related condition; TRIP11-Related Disorders.

Allele frequency attached by ClinVar (database versions not stated): gnomAD exomes 0.00008 and 0.00021; ExAC 0.00021; 1000 Genomes Project 30x 0.00031; 1000 Genomes Project 0.00040; TOPMed 0.00083; ESP Exome Variant Server 0.00085; gnomAD 0.00092 and 0.00101.
gnomAD v4.1: 275 of 1,614,002 alleles (0.017%); highest among the groups gnomAD compares: African/African-American, 0.32%; no homozygotes.

Submissions (5):

Labcorp Genetics (formerly Invitae), Labcorp
Classification: Likely benign for Achondrogenesis, type IA. Last evaluated: 2025-12-01. Review status: criteria provided, single submitter. Criteria: Invitae Variant Classification Sherloc (09022015). Collection method: clinical testing. Allele origin: germline.

ARUP Laboratories, Molecular Genetics and Genomics, ARUP Laboratories
Classification: Uncertain significance. Last evaluated: 2021-11-09. Review status: criteria provided, single submitter. Criteria: ARUP Molecular Germline Variant Investigation Process 2021. Collection method: clinical testing. Allele origin: germline.
Comment: The TRIP11 c.4069C>A; p.Gln1357Lys variant (rs144829001), to our knowledge, is not reported in the medical literature but is reported in ClinVar (Variation ID: 716010). This variant is found in the African population with an allele frequency of .3% (74/24954 alleles) in the Genome Aggregation Database. The glutamine at codon 1357 is moderately conserved, and computational analyses predict that this variant is neutral (REVEL: 0.069). However, given the lack of clinical and functional data, the significance of the p.Gln1357Lys variant is uncertain at this time.

Revvity Omics, Revvity
Classification: Uncertain significance. Last evaluated: 2020-09-24. Review status: criteria provided, single submitter. Criteria: ACMG Guidelines, 2015. Collection method: clinical testing. Allele origin: germline.

GeneDx
Classification: Likely benign. Last evaluated: 2020-06-16. Review status: criteria provided, single submitter. Criteria: GeneDx Variant Classification Process June 2021. Collection method: clinical testing. Allele origin: germline. Affected: yes.

PreventionGenetics, part of Exact Sciences
Classification: Likely benign for TRIP11-related condition. Last evaluated: 2022-02-24. Review status: no assertion criteria provided. Collection method: clinical testing. Allele origin: germline. Not counted in ClinVar's aggregate classification.
Comment: This variant is classified as likely benign based on ACMG/AMP sequence variant interpretation guidelines (Richards et al. 2015 PMID: 25741868, with internal and published modifications).